The following is an entry in ClinVar:

NM_015122.3(FCHO1):c.991G>A (p.Val331Met)

Gene: FCHO1 (FCH and mu domain containing endocytic adaptor 1; plus strand). Cytogenetic location: 19p13.11.
Variant type: single nucleotide variant.
Coding change: c.991G>A on transcript NM_015122.3 (MANE Select); coding-DNA position 991, G replaced by A.
Protein change: p.Val331Met; replaces valine 331 with methionine.
Molecular consequence: missense variant. On other transcripts: non-coding transcript variant (36).
Genome position (GRCh38, 1-based): chr19:17,775,501, G>A. VCF-style: chr19-17775501-G-A. GRCh37 (hg19) VCF-style: chr19-17886310-G-A.
Other names: c.916G>A, p.Val306Met (NM_001384390.1); c.991G>A, p.Val331Met (NM_001384391.1, NM_001384398.1, NM_001384392.1 and 25 more transcripts); c.841G>A, p.Val281Met (NM_001161359.2, NM_001384384.1, NM_001384385.1 and 3 more transcripts); c.952G>A, p.Val318Met (NM_001384388.1, NM_001384389.1, NM_001384405.1); c.946G>A, p.Val316Met (NM_001384403.1); c.991G>A (NM_001161357.1); short protein forms V318M, V331M, V281M, V316M, V306M.
Identifiers: ClinVar variation 2959095 (VCV002959095.4), dbSNP rs1440785471, ClinGen allele CA404750936.

ClinVar aggregate classification (germline): Uncertain significance. Review status: criteria provided, multiple submitters, no conflicts (2 of 4 stars). 2 submissions from 2 submitters: Uncertain significance (2). Last evaluated 2025-02-24.

Allele frequency attached by ClinVar (database versions not stated): TOPMed below 0.00001; gnomAD 0.00001; gnomAD exomes 0.00001.
gnomAD v4.1: 15 of 1,613,808 alleles (0.00093%); highest among the groups gnomAD compares: Non-Finnish European, 0.0011%; no homozygotes.

Submissions (2):

Ambry Genetics
Classification: Uncertain significance. Last evaluated: 2025-02-24. Review status: criteria provided, single submitter. Criteria: Ambry Variant Classification Scheme 2023. Collection method: clinical testing. Allele origin: germline.

Labcorp Genetics (formerly Invitae), Labcorp
Classification: Uncertain significance. Last evaluated: 2024-03-19. Review status: criteria provided, single submitter. Criteria: Invitae Variant Classification Sherloc (09022015). Collection method: clinical testing. Allele origin: germline.
Comment: This sequence change replaces valine, which is neutral and non-polar, with methionine, which is neutral and non-polar, at codon 331 of the FCHO1 protein (p.Val331Met). This variant is present in population databases (no rsID available, gnomAD 0.0009%). This variant has not been reported in the literature in individuals affected with FCHO1-related conditions. An algorithm developed to predict the effect of missense changes on protein structure and function (PolyPhen-2) suggests that this variant is likely to be tolerated. In summary, the available evidence is currently insufficient to determine the role of this variant in disease. Therefore, it has been classified as a Variant of Uncertain Significance.